The following is an entry in ClinVar:

ClinVar aggregate classification (germline): Uncertain significance (1 of 4 stars; one submission).

Submission:

GeneDx
Classification: Uncertain significance. Last evaluated: 2019-04-25. Review status: criteria provided, single submitter. Criteria: GeneDx Variant Classification Process June 2021. Collection method: clinical testing. Allele origin: germline. Affected: yes.
Comment: Not observed in large population cohorts (Lek et al., 2016); This variant is associated with the following publications: (PMID: 28561778)

NM_004456.5(EZH2):c.38T>C (p.Val13Ala)

Gene: EZH2 (enhancer of zeste 2 polycomb repressive complex 2 subunit; minus strand). Cytogenetic location: 7q36.1.
Variant type: single nucleotide variant.
Coding change: c.38T>C on transcript NM_004456.5 (MANE Select); coding-DNA position 38, T replaced by C.
Protein change: p.Val13Ala; replaces valine 13 with alanine.
Molecular consequence: missense variant.
Genome position (GRCh38, 1-based): chr7:148,847,261, A>G on the plus strand (T>C on the coding strand, the complement: EZH2 is on the minus strand). VCF-style: chr7-148847261-A-G. GRCh37 (hg19) VCF-style: chr7-148544353-A-G.
Other names: c.38T>C, p.Val13Ala (NM_001203247.2, NM_001203248.2, NM_001203249.2 and 1 more transcripts); short protein forms V13A.
Identifiers: ClinVar variation 1305592 (VCV001305592.2), dbSNP rs2129485390, ClinGen allele CA369708562.
Genomic context (GRCh38, chr7:148,847,261, plus strand): 5'-CTGAACCTCTTGAGCTGTCTCAGTCGCATGTACTCTGATTTTACACGCTTCCGCCAACAA[A>G]CTGGTCCCTTCTCAGATTTCTTCCCAGTCTGGCCCATGATTATTCTAAAAGCAATGGTTT-3'
Protein context (NP_004447.2, residues 3-23): QTGKKSEKGP[Val13Ala]CWRKRVKSEY